The following is an entry in ClinVar:

ClinVar aggregate classification (germline): Pathogenic (1 of 4 stars; one submission).

Conditions:
Primary ciliary dyskinesia. Also called: Ciliary dyskinesia. Identifiers: Orphanet 244, MedGen C0008780, MONDO:0016575, HP:0012265.

Submission:

Labcorp Genetics (formerly Invitae), Labcorp
Classification: Pathogenic for Primary ciliary dyskinesia. Last evaluated: 2024-12-29. Review status: criteria provided, single submitter. Criteria: Invitae Variant Classification Sherloc (09022015). Collection method: clinical testing. Allele origin: germline.
Comment: This sequence change creates a premature translational stop signal (p.Glu784Argfs*17) in the RPGR (ORF15) gene. While this is not anticipated to result in nonsense mediated decay, it is expected to disrupt the last 369 amino acid(s) of the RPGR (ORF15) protein. This variant is not present in population databases (gnomAD no frequency). This variant has not been reported in the literature in individuals affected with RPGR (ORF15)-related conditions. This variant disrupts a region of the RPGR (ORF15) protein in which other variant(s) (p.Asn1132Thrfs*20) have been determined to be pathogenic (PMID: 18552978, 25283059; internal data). This suggests that this is a clinically significant region of the protein, and that variants that disrupt it are likely to be disease-causing. For these reasons, this variant has been classified as Pathogenic.

Literature cited by the submitters: PubMed 18552978; PubMed 25283059.

NM_001034853.2(RPGR):c.2350_2392del (p.Glu784fs)

Gene: RPGR (retinitis pigmentosa GTPase regulator; minus strand). Cytogenetic location: Xp11.4.
Variant type: Deletion.
Coding change: c.2350_2392del on transcript NM_001034853.2 (MANE Select); coding-DNA positions 2350 to 2392, 43 bases deleted.
Protein change: p.Glu784fs; shifts the reading frame from glutamic acid 784.
Molecular consequence: frameshift variant. On other transcripts: intron variant (8).
Genome position (GRCh38, 1-based): chrX:38,286,607-38,286,649, 43 bases deleted; deleting any 43 consecutive bases within chrX:38,286,607-38,286,656 gives the same sequence; the c. name uses the placement nearest the transcript's 3' end. GRCh37 (hg19): chrX:38,145,867-38,145,909.
Other names: c.1569+4310_1569+4352del (NM_001367249.1, NM_001367250.1); c.1902+445_1902+487del (NM_001367245.1); c.1386+4310_1386+4352del (NM_001367251.1); c.1719+445_1719+487del (NM_001367246.1); c.1572+4310_1572+4352del (NM_001367247.1); c.1905+445_1905+487del (NM_000328.3); c.1602+4310_1602+4352del (NM_001367248.1); short protein forms E784fs.
Identifiers: ClinVar variation 3728229 (VCV003728229.2).